The following is an entry in ClinVar:

NM_003060.4(SLC22A5):c.158C>T (p.Pro53Leu)

Gene: SLC22A5 (solute carrier family 22 member 5; plus strand). Cytogenetic location: 5q31.1.
Variant type: single nucleotide variant.
Coding change: c.158C>T on transcript NM_003060.4 (MANE Select); coding-DNA position 158, C replaced by T.
Protein change: p.Pro53Leu; replaces proline 53 with leucine.
Molecular consequence: missense variant.
Genome position (GRCh38, 1-based): chr5:132,370,130, C>T. VCF-style: chr5-132370130-C-T. GRCh37 (hg19) VCF-style: chr5-131705822-C-T.
Other names: c.158C>T, p.Pro53Leu (NM_001308122.2); short protein forms P53L.
Identifiers: ClinVar variation 1936233 (VCV001936233.2), dbSNP rs373077213, ClinGen allele CA3403800.
Genomic context (GRCh38, chr5:132,370,130, plus strand): 5'-GCTTCACCGGCCTGTCCTCCGTGTTCCTGATAGCGACCCCGGAGCACCGCTGCCGGGTGC[C>T]GGACGCCGCGAACCTGAGCAGCGCCTGGCGCAACCACACTGTCCCACTGCGGCTGCGGGA-3'
Protein context (NP_003051.1, residues 43-63): IATPEHRCRV[Pro53Leu]DAANLSSAWR

ClinVar aggregate classification (germline): Uncertain significance (1 of 4 stars; one submission).

Conditions:
Renal carnitine transport defect (CDSP). Also called: Primary carnitine deficiency; Systemic primary carnitine deficiency; Carnitine transporter deficiency; Carnitine Deficiency, Systemic; Systemic primary carnitine deficiency disease; CARNITINE DEFICIENCY, SYSTEMIC, DUE TO DEFECT IN RENAL REABSORPTION OF CARNITINE. Identifiers: Orphanet 158, MedGen C0342788, MONDO:0008919, OMIM 212140.

Allele frequency attached by ClinVar (database versions not stated): ESP Exome Variant Server 0.00008.

Submission:

Labcorp Genetics (formerly Invitae), Labcorp
Classification: Uncertain significance for Renal carnitine transport defect. Last evaluated: 2022-02-24. Review status: criteria provided, single submitter. Criteria: Invitae Variant Classification Sherloc (09022015). Collection method: clinical testing. Allele origin: germline.
Comment: This sequence change replaces proline, which is neutral and non-polar, with leucine, which is neutral and non-polar, at codon 53 of the SLC22A5 protein (p.Pro53Leu). The frequency data for this variant in the population databases is considered unreliable, as metrics indicate poor data quality at this position in the gnomAD database. This variant has not been reported in the literature in individuals affected with SLC22A5-related conditions. Advanced modeling of protein sequence and biophysical properties (such as structural, functional, and spatial information, amino acid conservation, physicochemical variation, residue mobility, and thermodynamic stability) performed at Invitae indicates that this missense variant is expected to disrupt SLC22A5 protein function. In summary, the available evidence is currently insufficient to determine the role of this variant in disease. Therefore, it has been classified as a Variant of Uncertain Significance.